The following is an entry in ClinVar:

ClinVar aggregate classification (germline): Conflicting classifications of pathogenicity. Review status: criteria provided, conflicting classifications (1 of 4 stars). 3 submissions from 3 submitters: Uncertain significance (1); Likely benign (2). Last evaluated 2025-11-11.

Conditions:
EXPH5-related disorder. Also called: EXPH5-related condition.
Inborn genetic diseases. Identifiers: MedGen C0950123, MeSH D030342.

Allele frequency attached by ClinVar (database versions not stated): ESP Exome Variant Server 0.00008; gnomAD 0.00017 and 0.00018; 1000 Genomes Project 0.00020; 1000 Genomes Project 30x 0.00031; TOPMed 0.00034.
gnomAD v4.1: 215 of 1,610,726 alleles (0.013%); highest among the groups gnomAD compares: Admixed American, 0.3%; 1 homozygote.

Submissions (3):

PreventionGenetics, part of Exact Sciences
Classification: Likely benign for EXPH5-related condition. Last evaluated: 2025-11-11. Review status: criteria provided, single submitter. Criteria: ACMG Guidelines, 2015. Collection method: clinical testing. Allele origin: germline.
Comment: This variant is classified as likely benign based on ACMG/AMP sequence variant interpretation guidelines (Richards et al. 2015 PMID: 25741868, with internal and published modifications).

Labcorp Genetics (formerly Invitae), Labcorp
Classification: Likely benign. Last evaluated: 2022-08-30. Review status: criteria provided, single submitter. Criteria: Invitae Variant Classification Sherloc (09022015). Collection method: clinical testing. Allele origin: germline.

Ambry Genetics
Classification: Uncertain significance for Inborn genetic diseases. Last evaluated: 2021-10-26. Review status: criteria provided, single submitter. Criteria: Ambry Variant Classification Scheme 2023. Collection method: clinical testing. Allele origin: germline.

NM_015065.3(EXPH5):c.5453G>A (p.Arg1818His)

Gene: EXPH5 (exophilin 5; minus strand). Cytogenetic location: 11q22.3.
Variant type: single nucleotide variant.
Coding change: c.5453G>A on transcript NM_015065.3 (MANE Select); coding-DNA position 5453, G replaced by A.
Protein change: p.Arg1818His; replaces arginine 1818 with histidine.
Molecular consequence: missense variant.
Genome position (GRCh38, 1-based): chr11:108,510,054, C>T on the plus strand (G>A on the coding strand, the complement: EXPH5 is on the minus strand). VCF-style: chr11-108510054-C-T. GRCh37 (hg19) VCF-style: chr11-108380781-C-T.
Other names: c.5225G>A, p.Arg1742His (NM_001144763.2); c.4985G>A, p.Arg1662His (NM_001144764.2); c.4889G>A, p.Arg1630His (NM_001144765.2); c.5432G>A, p.Arg1811His (NM_001308019.2); short protein forms R1630H, R1742H, R1811H, R1818H, R1662H.
Identifiers: ClinVar variation 730959 (VCV000730959.10), dbSNP rs201149792, ClinGen allele CA6267327.